The following is an entry in ClinVar:

NM_001151.4(SLC25A4):c.572A>G (p.Tyr191Cys)

Gene: SLC25A4 (solute carrier family 25 member 4; plus strand). Cytogenetic location: 4q35.1.
Variant type: single nucleotide variant.
Coding change: c.572A>G on transcript NM_001151.4 (MANE Select); coding-DNA position 572, A replaced by G.
Protein change: p.Tyr191Cys; replaces tyrosine 191 with cysteine.
Molecular consequence: missense variant.
Genome position (GRCh38, 1-based): chr4:185,145,224, A>G. VCF-style: chr4-185145224-A-G. GRCh37 (hg19) VCF-style: chr4-186066378-A-G.
Other names: short protein forms Y191C.
Identifiers: ClinVar variation 2044209 (VCV002044209.4), dbSNP rs2477169806, ClinGen allele CA358896915.
Genomic context (GRCh38, chr4:185,145,224, plus strand): 5'-GGGGGCTCTACCAGGGTTTCAACGTCTCTGTCCAAGGCATCATTATCTATAGAGCTGCCT[A>G]CTTCGGAGTCTATGATACTGCCAAGGGTGAGAGAGGGGCATCGGGGAGAAGGAGGGTGGT-3'
Protein context (NP_001142.2, residues 181-201): VQGIIIYRAA[Tyr191Cys]FGVYDTAKGM

ClinVar aggregate classification (germline): Uncertain significance (1 of 4 stars; one submission).

Submission:

Labcorp Genetics (formerly Invitae), Labcorp
Classification: Uncertain significance. Last evaluated: 2022-03-18. Review status: criteria provided, single submitter. Criteria: Invitae Variant Classification Sherloc (09022015). Collection method: clinical testing. Allele origin: germline.
Comment: This variant has not been reported in the literature in individuals affected with SLC25A4-related conditions. This variant is not present in population databases (gnomAD no frequency). Algorithms developed to predict the effect of missense changes on protein structure and function (SIFT, PolyPhen-2, Align-GVGD) all suggest that this variant is likely to be disruptive. In summary, the available evidence is currently insufficient to determine the role of this variant in disease. Therefore, it has been classified as a Variant of Uncertain Significance. This sequence change replaces tyrosine, which is neutral and polar, with cysteine, which is neutral and slightly polar, at codon 191 of the SLC25A4 protein (p.Tyr191Cys).